The following is an entry in ClinVar:

ClinVar aggregate classification (germline): Uncertain significance (1 of 4 stars; one submission).

Conditions:
Hereditary cancer-predisposing syndrome. Also called: Neoplastic Syndromes, Hereditary; Tumor predisposition; Hereditary Cancer Syndrome; Hereditary neoplastic syndrome. Identifiers: Orphanet 140162, MedGen C0027672, MeSH D009386, MONDO:0015356.

Submission:

Ambry Genetics
Classification: Uncertain significance for Hereditary cancer-predisposing syndrome. Last evaluated: 2026-01-26. Review status: criteria provided, single submitter. Criteria: Ambry Variant Classification Scheme 2023. Collection method: clinical testing. Allele origin: germline.
Comment: The c.3015delT variant, located in coding exon 19 of the BRIP1 gene, results from a deletion of one nucleotide at nucleotide position 3015, causing a translational frameshift with a predicted alternate stop codon (p.F1005Lfs*54). This variant occurs at the 3' terminus of the gene, is not expected to trigger nonsense-mediated mRNAdecay, and impacts the last 19% of the protein. The exact functional effect of this variant is unknown. Based on the available evidence, the clinical significance of this variant remains unclear.

NM_032043.3(BRIP1):c.3015del (p.Phe1005fs)

Gene: BRIP1 (BRCA1 interacting DNA helicase 1; minus strand). Cytogenetic location: 17q23.2.
Variant type: Deletion.
Coding change: c.3015del on transcript NM_032043.3 (MANE Select); coding-DNA position 3015, one base deleted (T; older notation c.3015delT).
Protein change: p.Phe1005fs; shifts the reading frame from phenylalanine 1005.
Molecular consequence: frameshift variant.
Genome position (GRCh38, 1-based): chr17:61,684,031, A deleted on the plus strand (T on the coding strand, the reverse complement: BRIP1 is on the minus strand); the first of 3 consecutive A bases (chr17:61,684,031-61,684,033); deleting any one gives the same sequence. VCF-style (leftmost placement, unchanged base first): chr17-61684030-TA-T. GRCh37 (hg19) VCF-style: chr17-59761391-TA-T.
Other names: c.3015delT (NM_032043.2); short protein forms F1005fs.
Identifiers: ClinVar variation 4842400 (VCV004842400.1).